The following is an entry in ClinVar:

ClinVar aggregate classification (germline): Pathogenic (1 of 4 stars; one submission).

Conditions:
46,XY sex reversal 2. Also called: NR0B1-Related 46,XY CGD; NR0B1-related 46,XY complete gonadal dysgenesis; Dosage-sensitive sex reversal; 46,XY SEX REVERSAL, DAX1-RELATED; 46XY sex reversal 2, dosage-sensitive. Identifiers: MedGen C1848296, MONDO:0010226, OMIM 300018.
Congenital adrenal hypoplasia, X-linked (AHC). Also called: Isolated X-Linked Adrenal Hypoplasia Congenita; X-linked AHC; X-Linked Adrenal Hypoplasia Congenita; ADRENAL HYPOPLASIA, CONGENITAL, WITH HYPOGONADOTROPIC HYPOGONADISM. Identifiers: Orphanet 95702, MedGen C0342482, MONDO:0010264, OMIM 300200. Disease mechanism: loss of function.

Submission:

Labcorp Genetics (formerly Invitae), Labcorp
Classification: Pathogenic for Congenital adrenal hypoplasia, X-linked; 46,XY sex reversal 2. Last evaluated: 2022-11-11. Review status: criteria provided, single submitter. Criteria: Invitae Variant Classification Sherloc (09022015). Collection method: clinical testing. Allele origin: germline.
Comment: For these reasons, this variant has been classified as Pathogenic. This variant has not been reported in the literature in individuals affected with NR0B1-related conditions. This variant is not present in population databases (gnomAD no frequency). This sequence change creates a premature translational stop signal (p.Cys368*) in the NR0B1 gene. It is expected to result in an absent or disrupted protein product. Loss-of-function variants in NR0B1 are known to be pathogenic (PMID: 7990958, 15841486).

Literature cited by the submitters: PubMed 7990958; PubMed 15841486.

NM_000475.5(NR0B1):c.1104C>A (p.Cys368Ter)

Gene: NR0B1 (nuclear receptor subfamily 0 group B member 1; minus strand). Cytogenetic location: Xp21.2.
Variant type: single nucleotide variant.
Coding change: c.1104C>A on transcript NM_000475.5 (MANE Select); coding-DNA position 1104, C replaced by A.
Protein change: p.Cys368Ter; replaces cysteine 368 with a stop codon.
Molecular consequence: nonsense.
Genome position (GRCh38, 1-based): chrX:30,308,260, G>T on the plus strand (C>A on the coding strand, the complement: NR0B1 is on the minus strand). VCF-style: chrX-30308260-G-T. GRCh37 (hg19) VCF-style: chrX-30326377-G-T.
Other names: short protein forms C368*.
Identifiers: ClinVar variation 2941501 (VCV002941501.3), dbSNP rs2519050843, ClinGen allele CA412546492.